The following is an entry in ClinVar:

ClinVar aggregate classification (germline): Uncertain significance. Review status: criteria provided, multiple submitters, no conflicts (2 of 4 stars). 2 submissions from 2 submitters: Uncertain significance (2). Last evaluated 2024-03-09.

Conditions:
Dyskeratosis congenita. Identifiers: Orphanet 1775, MedGen C0265965, MONDO:0015780.
Cerebroretinal microangiopathy with calcifications and cysts 1 (CRMCC1). Identifiers: Orphanet 313838, MedGen C4552029, MONDO:0024564, OMIM 612199.

Allele frequency attached by ClinVar (database versions not stated): gnomAD exomes below 0.00001; ExAC 0.00001.
gnomAD v4.1: 5 of 1,614,172 alleles (0.00031%); highest among the groups gnomAD compares: Non-Finnish European, 0.00034%; no homozygotes.

Submissions (2):

Fulgent Genetics
Classification: Uncertain significance for Cerebroretinal microangiopathy with calcifications and cysts 1. Last evaluated: 2024-03-09. Review status: criteria provided, single submitter. Criteria: ACMG Guidelines, 2015. Collection method: clinical testing. Allele origin: germline.

Labcorp Genetics (formerly Invitae), Labcorp
Classification: Uncertain significance for Dyskeratosis congenita. Last evaluated: 2021-09-24. Review status: criteria provided, single submitter. Criteria: Invitae Variant Classification Sherloc (09022015). Collection method: clinical testing. Allele origin: germline.
Comment: This sequence change replaces phenylalanine with leucine at codon 434 of the CTC1 protein (p.Phe434Leu). The phenylalanine residue is highly conserved and there is a small physicochemical difference between phenylalanine and leucine. This variant is present in population databases (rs761520320, ExAC 0.002%). This variant has not been reported in the literature in individuals with CTC1-related conditions. Algorithms developed to predict the effect of missense changes on protein structure and function are either unavailable or do not agree on the potential impact of this missense change (SIFT: "Deleterious"; PolyPhen-2: "Probably Damaging"; Align-GVGD: "Class C0"). In summary, the available evidence is currently insufficient to determine the role of this variant in disease. Therefore, it has been classified as a Variant of Uncertain Significance.

NM_025099.6(CTC1):c.1300T>C (p.Phe434Leu)

Gene: CTC1 (CST telomere replication complex component 1; minus strand). Cytogenetic location: 17p13.1.
Variant type: single nucleotide variant.
Coding change: c.1300T>C on transcript NM_025099.6 (MANE Select); coding-DNA position 1300, T replaced by C.
Protein change: p.Phe434Leu; replaces phenylalanine 434 with leucine.
Molecular consequence: missense variant. On other transcripts: non-coding transcript variant (1).
Genome position (GRCh38, 1-based): chr17:8,235,192, A>G on the plus strand (T>C on the coding strand, the complement: CTC1 is on the minus strand). VCF-style: chr17-8235192-A-G. GRCh37 (hg19) VCF-style: chr17-8138510-A-G.
Other names: short protein forms F434L.
Identifiers: ClinVar variation 1369156 (VCV001369156.6), dbSNP rs761520320, ClinGen allele CA8372393.